The following is an entry in ClinVar:

NM_004415.4(DSP):c.7418C>T (p.Thr2473Ile)

Gene: DSP (desmoplakin; plus strand). Cytogenetic location: 6p24.3.
Variant type: single nucleotide variant.
Coding change: c.7418C>T on transcript NM_004415.4 (MANE Select); coding-DNA position 7418, C replaced by T.
Protein change: p.Thr2473Ile; replaces threonine 2473 with isoleucine.
Molecular consequence: missense variant.
Genome position (GRCh38, 1-based): chr6:7,584,680, C>T. VCF-style: chr6-7584680-C-T. GRCh37 (hg19) VCF-style: chr6-7584913-C-T.
Other names: c.5621C>T, p.Thr1874Ile (NM_001008844.3); c.6089C>T, p.Thr2030Ile (NM_001319034.2); short protein forms T2473I, T1874I, T2030I.
Identifiers: ClinVar variation 1398480 (VCV001398480.6), dbSNP rs1389902511, ClinGen allele CA362692958.

ClinVar aggregate classification (germline): Uncertain significance (1 of 4 stars; one submission).

Conditions:
Arrhythmogenic cardiomyopathy with wooly hair and keratoderma. Also called: Dilated cardiomyopathy with woolly hair and keratoderma; Arrhythmogenic cardiomyopathy with woolly hair and keratoderma; PALMOPLANTAR KERATODERMA WITH LEFT VENTRICULAR CARDIOMYOPATHY AND WOOLLY HAIR; Carvajal syndrome. Identifiers: Orphanet 65282, MedGen C1854063, MONDO:0011581, OMIM 605676.
Arrhythmogenic right ventricular dysplasia 8 (ARVD8). Also called: Arrhythmogenic Right Ventricular Dysplasia/Cardiomyopathy 8; ARRHYTHMOGENIC RIGHT VENTRICULAR DYSPLASIA, FAMILIAL, 8; ARRHYTHMOGENIC RIGHT VENTRICULAR CARDIOMYOPATHY 8. Identifiers: MedGen C1843896, MONDO:0011831, OMIM 607450.

Allele frequency attached by ClinVar (database versions not stated): gnomAD exomes below 0.00001.
gnomAD v4.1: 2 of 1,614,080 alleles (0.00012%); highest among the groups gnomAD compares: South Asian, 0.0011%; no homozygotes.

Submission:

Labcorp Genetics (formerly Invitae), Labcorp
Classification: Uncertain significance for Arrhythmogenic cardiomyopathy with wooly hair and keratoderma; Arrhythmogenic right ventricular dysplasia 8. Last evaluated: 2023-07-17. Review status: criteria provided, single submitter. Criteria: Invitae Variant Classification Sherloc (09022015). Collection method: clinical testing. Allele origin: germline.
Comment: In summary, the available evidence is currently insufficient to determine the role of this variant in disease. Therefore, it has been classified as a Variant of Uncertain Significance. An algorithm developed to predict the effect of missense changes on protein structure and function (PolyPhen-2) suggests that this variant is likely to be disruptive. ClinVar contains an entry for this variant (Variation ID: 1398480). This variant has not been reported in the literature in individuals affected with DSP-related conditions. This variant is present in population databases (no rsID available, gnomAD 0.0009%). This sequence change replaces threonine, which is neutral and polar, with isoleucine, which is neutral and non-polar, at codon 2473 of the DSP protein (p.Thr2473Ile).